The following is an entry in ClinVar:

ClinVar aggregate classification (germline): Uncertain significance (1 of 4 stars; one submission).

Allele frequency attached by ClinVar (database versions not stated): gnomAD exomes below 0.00001; TOPMed below 0.00001; gnomAD 0.00001.
gnomAD v4.1: 3 of 1,209,756 alleles (0.00025%); highest among the groups gnomAD compares: African/African-American, 0.0018%; no homozygotes.

Submission:

Labcorp Genetics (formerly Invitae), Labcorp
Classification: Uncertain significance. Last evaluated: 2022-02-04. Review status: criteria provided, single submitter. Criteria: Invitae Variant Classification Sherloc (09022015). Collection method: clinical testing. Allele origin: germline.
Comment: The frequency data for this variant in the population databases is considered unreliable, as metrics indicate poor data quality at this position in the gnomAD database. In summary, the available evidence is currently insufficient to determine the role of this variant in disease. Therefore, it has been classified as a Variant of Uncertain Significance. Algorithms developed to predict the effect of sequence changes on RNA splicing suggest that this variant may create or strengthen a splice site. Algorithms developed to predict the effect of missense changes on protein structure and function are either unavailable or do not agree on the potential impact of this missense change (SIFT: "Deleterious"; PolyPhen-2: "Not Available"; Align-GVGD: "Class C65"). This variant has not been reported in the literature in individuals affected with COL4A6-related conditions. This sequence change replaces glycine, which is neutral and non-polar, with arginine, which is basic and polar, at codon 421 of the COL4A6 protein (p.Gly421Arg).

NM_033641.4(COL4A6):c.1258G>A (p.Gly420Arg)

Gene: COL4A6 (collagen type IV alpha 6 chain; minus strand). Cytogenetic location: Xq22.3.
Variant type: single nucleotide variant.
Coding change: c.1258G>A on transcript NM_033641.4 (MANE Select); coding-DNA position 1258, G replaced by A.
Protein change: p.Gly420Arg; replaces glycine 420 with arginine.
Molecular consequence: missense variant.
Genome position (GRCh38, 1-based): chrX:108,191,456, C>T on the plus strand (G>A on the coding strand, the complement: COL4A6 is on the minus strand). VCF-style: chrX-108191456-C-T. GRCh37 (hg19) VCF-style: chrX-107434686-C-T.
Other names: c.1258G>A, p.Gly420Arg (NM_001287758.2, NM_001287759.2, NM_001287760.2); c.1261G>A, p.Gly421Arg (NM_001847.4); short protein forms G420R, G421R.
Identifiers: ClinVar variation 1987098 (VCV001987098.4), dbSNP rs1386826366, ClinGen allele CA413861335.